The following is an entry in ClinVar:

NM_001330288.2(SMARCC2):c.1139T>C (p.Leu380Pro)

Gene: SMARCC2 (SWI/SNF related BAF chromatin remodeling complex subunit C2; minus strand). Cytogenetic location: 12q13.2.
Variant type: single nucleotide variant.
Coding change: c.1139T>C on transcript NM_001330288.2 (MANE Select); coding-DNA position 1139, T replaced by C.
Protein change: p.Leu380Pro; replaces leucine 380 with proline.
Molecular consequence: missense variant.
Genome position (GRCh38, 1-based): chr12:56,178,999, A>G on the plus strand (T>C on the coding strand, the complement: SMARCC2 is on the minus strand). VCF-style: chr12-56178999-A-G. GRCh37 (hg19) VCF-style: chr12-56572783-A-G.
Other names: c.1139T>C, p.Leu380Pro (NM_001130420.3, NM_003075.5, NM_139067.4); short protein forms L380P.
Identifiers: ClinVar variation 3372328 (VCV003372328.1).
Genomic context (GRCh38, chr12:56,178,999, plus strand): 5'-GCTGAGCCCTCCCCTTCCCTTGGCTCTGACTGCCGTGCCCAAGAGGCTCCTGTCTTACCC[A>G]GGTCGGTCATGGTGCCGCCTTTGACTGGGGCCGACTCTGAGTCTTTCTTTGTGTTGACTG-3'
Protein context (NP_001317217.1, residues 370-390): APVKGGTMTD[Leu380Pro]DEQEDESMET

ClinVar aggregate classification (germline): Uncertain significance (1 of 4 stars; one submission).

Submission:

GeneDx
Classification: Uncertain significance. Last evaluated: 2024-04-10. Review status: criteria provided, single submitter. Criteria: GeneDx Variant Classification Process June 2021. Collection method: clinical testing. Allele origin: germline. Affected: yes.
Comment: Not observed at significant frequency in large population cohorts (gnomAD); In silico analysis supports that this missense variant has a deleterious effect on protein structure/function; Has not been previously published as pathogenic or benign to our knowledge